The following is an entry in ClinVar:

ClinVar aggregate classification (germline): Uncertain significance (1 of 4 stars; one submission).

Conditions:
Inborn genetic diseases. Identifiers: MedGen C0950123, MeSH D030342.

Allele frequency attached by ClinVar (database versions not stated): gnomAD exomes below 0.00001.
gnomAD v4.1: 1 of 1,613,536 alleles (0.000062%); highest among the groups gnomAD compares: Admixed American, 0.0017%; no homozygotes.

Submission:

Ambry Genetics
Classification: Uncertain significance for Inborn genetic diseases. Last evaluated: 2021-04-03. Review status: criteria provided, single submitter. Criteria: Ambry Variant Classification Scheme 2023. Collection method: clinical testing. Allele origin: germline.
Comment: The c.638C>T (p.P213L) alteration is located in exon 4 (coding exon 4) of the ACD gene. This alteration results from a C to T substitution at nucleotide position 638, causing the proline (P) at amino acid position 213 to be replaced by a leucine (L). The p.P213L alteration is predicted to be tolerated by in silico analysis. Based on insufficient or conflicting evidence, the clinical significance of this alteration remains unclear.

NM_001082486.2(ACD):c.380C>T (p.Pro127Leu)

Gene: ACD (ACD shelterin complex subunit and telomerase recruitment factor; minus strand). Cytogenetic location: 16q22.1.
Variant type: single nucleotide variant.
Coding change: c.380C>T on transcript NM_001082486.2 (MANE Select); coding-DNA position 380, C replaced by T.
Protein change: p.Pro127Leu; replaces proline 127 with leucine.
Molecular consequence: missense variant.
Genome position (GRCh38, 1-based): chr16:67,659,570, G>A on the plus strand (C>T on the coding strand, the complement: ACD is on the minus strand). VCF-style: chr16-67659570-G-A. GRCh37 (hg19) VCF-style: chr16-67693473-G-A.
Other names: c.380C>T, p.Pro127Leu (NM_001410884.1); c.371C>T, p.Pro124Leu (NM_022914.3); short protein forms P124L, P127L.
Identifiers: ClinVar variation 2230522 (VCV002230522.2), dbSNP rs1408312026, ClinGen allele CA396355345.